The following is an entry in ClinVar:

ClinVar aggregate classification (germline): Likely benign. Review status: reviewed by expert panel (3 of 4 stars). 3 submissions from 3 submitters: Likely benign (1). 2 of the submissions do not count toward it. Last evaluated 2026-04-29.

Conditions:
Inborn genetic diseases. Identifiers: MedGen C0950123, MeSH D030342.
Hereditary thrombocytopenia and hematological cancer predisposition syndrome associated with RUNX1. Also called: Familial Platelet Disorder with Propensity to Acute Myelogenous Leukemia; Familial thrombocytopenia with propensity to acute myelogenous leukemia; PLATELET DISORDER, ASPIRIN-LIKE; RUNX1 Familial Platelet Disorder with Associated Myeloid Malignancies. Identifiers: Orphanet 71290, MedGen C1832388, MeSH C563324, MONDO:0100083, OMIM 601399.
Hereditary thrombocytopenia and hematologic cancer predisposition syndrome. Identifiers: Orphanet 71290, MedGen CN281654, MONDO:0011071.

Submissions (3):

ClinGen Myeloid Malignancy Variant Curation Expert Panel
Classification: Likely benign for Hereditary thrombocytopenia and hematologic cancer predisposition syndrome. Last evaluated: 2026-04-29. Review status: reviewed by expert panel. Criteria: ClinGen MyeloMalig ACMG Specifications V3.1. Collection method: curation. Allele origin: germline. Inheritance: Autosomal dominant inheritance.
Comment: NM_001754.5(RUNX1):c.862C>T (p.Leu288=) is a synonymous variant which has a SpliceAI score ≤ 0.20 (0.01) (BP4, BP7). This variant is completely absent from all population databases with at least 20x coverage for RUNX1 (PM2_supporting). In summary, this variant meets criteria to be classified as likely benign. ACMG/AMP criteria applied, as specified by the Myeloid Malignancy Variant Curation Expert Panel for RUNX1: BP4, BP7, PM2_supporting.

Ambry Genetics
Classification: Likely benign for Inborn genetic diseases. Last evaluated: 2024-12-04. Review status: criteria provided, single submitter. Criteria: Ambry Variant Classification Scheme 2023. Collection method: clinical testing. Allele origin: germline. Not counted in ClinVar's aggregate classification.

Labcorp Genetics (formerly Invitae), Labcorp
Classification: Likely benign for Hereditary thrombocytopenia and hematological cancer predisposition syndrome associated with RUNX1. Last evaluated: 2023-06-09. Review status: criteria provided, single submitter. Criteria: Invitae Variant Classification Sherloc (09022015). Collection method: clinical testing. Allele origin: germline. Not counted in ClinVar's aggregate classification.

NM_001754.5(RUNX1):c.862C>T (p.Leu288=)

Gene: RUNX1 (RUNX family transcription factor 1; minus strand). Cytogenetic location: 21q22.12.
Variant type: single nucleotide variant.
Coding change: c.862C>T on transcript NM_001754.5 (MANE Select); coding-DNA position 862, C replaced by T.
Protein change: p.Leu288=; no amino-acid change (leucine 288 retained).
Molecular consequence: synonymous variant.
Genome position (GRCh38, 1-based): chr21:34,799,406, G>A on the plus strand (C>T on the coding strand, the complement: RUNX1 is on the minus strand). VCF-style: chr21-34799406-G-A. GRCh37 (hg19) VCF-style: chr21-36171703-G-A.
Other names: NM_001754.5(RUNX1):c.862C>T; p.Leu288=; c.781C>T, p.Leu261= (NM_001001890.3).
Identifiers: ClinVar variation 2699087 (VCV002699087.7), dbSNP rs2145909262, ClinGen allele CA512232260.